The following is an entry in ClinVar:

ClinVar aggregate classification (germline): Uncertain significance. Review status: criteria provided, multiple submitters, no conflicts (2 of 4 stars). 2 submissions from 2 submitters: Uncertain significance (2). Last evaluated 2025-07-15.

gnomAD v4.1: 10 of 1,613,944 alleles (0.00062%); highest among the groups gnomAD compares: East Asian, 0.018%; no homozygotes.

Submissions (2):

Ambry Genetics
Classification: Uncertain significance. Last evaluated: 2025-07-15. Review status: criteria provided, single submitter. Criteria: Ambry Variant Classification Scheme 2023. Collection method: clinical testing. Allele origin: germline.

Labcorp Genetics (formerly Invitae), Labcorp
Classification: Uncertain significance. Last evaluated: 2023-09-12. Review status: criteria provided, single submitter. Criteria: Invitae Variant Classification Sherloc (09022015). Collection method: clinical testing. Allele origin: germline.
Comment: This variant is present in population databases (rs184041158, gnomAD 0.02%). In summary, the available evidence is currently insufficient to determine the role of this variant in disease. Therefore, it has been classified as a Variant of Uncertain Significance. An algorithm developed to predict the effect of missense changes on protein structure and function (PolyPhen-2) suggests that this variant is likely to be tolerated. This variant has not been reported in the literature in individuals affected with RNF31-related conditions. This sequence change replaces alanine, which is neutral and non-polar, with threonine, which is neutral and polar, at codon 503 of the RNF31 protein (p.Ala503Thr).

NM_017999.5(RNF31):c.1507G>A (p.Ala503Thr)

Gene: RNF31 (ring finger protein 31; plus strand). Cytogenetic location: 14q12.
Variant type: single nucleotide variant.
Coding change: c.1507G>A on transcript NM_017999.5 (MANE Select); coding-DNA position 1507, G replaced by A.
Protein change: p.Ala503Thr; replaces alanine 503 with threonine.
Molecular consequence: missense variant.
Genome position (GRCh38, 1-based): chr14:24,151,149, G>A. VCF-style: chr14-24151149-G-A. GRCh37 (hg19) VCF-style: chr14-24620358-G-A.
Other names: c.1054G>A, p.Ala352Thr (NM_001310332.2); c.1507G>A (NM_017999.4); short protein forms A352T, A503T.
Identifiers: ClinVar variation 2895027 (VCV002895027.4), dbSNP rs184041158, ClinGen allele CA7125813.